The following is an entry in ClinVar:

NM_003924.4(PHOX2B):c.594A>G (p.Pro198=)

Gene: PHOX2B (paired like homeobox 2B; minus strand). Cytogenetic location: 4p13.
Variant type: single nucleotide variant.
Coding change: c.594A>G on transcript NM_003924.4 (MANE Select); coding-DNA position 594, A replaced by G.
Protein change: p.Pro198=; no amino-acid change (proline 198 retained).
Molecular consequence: synonymous variant.
Genome position (GRCh38, 1-based): chr4:41,746,158, T>C on the plus strand (A>G on the coding strand, the complement: PHOX2B is on the minus strand). VCF-style: chr4-41746158-T-C. GRCh37 (hg19) VCF-style: chr4-41748175-T-C.
Identifiers: ClinVar variation 4083930 (VCV004083930.8).
Genomic context (GRCh38, chr4:41,746,158, plus strand): 5'-GGGCCCGCCGCCGCCGCCTCCATTCGCCCCGCAGCTGGGGGTGGGGTTGGGATTGGGACC[T>C]GGGCCCCCAGTGCTGTCCGGGTCAGTGCTCTTGGCCTCTTTGCTCTCGTCGTCCCTGGAA-3'
Protein context (NP_003915.2, residues 188-208): KSTDPDSTGG[Pro198=]GPNPNPTPSC

ClinVar aggregate classification (germline): Likely benign (1 of 4 stars; one submission).

Submission:

CeGaT Center for Human Genetics Tuebingen
Classification: Likely benign. Last evaluated: 2025-08-01. Review status: criteria provided, single submitter. Criteria: CeGaT Center For Human Genetics Tuebingen Variant Classification Criteria Version 2. Collection method: clinical testing. Allele origin: germline. Affected: yes. Observed: 1 variant allele.
Comment: PHOX2B: PM2:Supporting, BP4, BP7